The following is an entry in ClinVar:

ClinVar aggregate classification (germline): Uncertain significance. Review status: criteria provided, single submitter (1 of 4 stars). 2 submissions from 2 submitters: Uncertain significance (1). 1 of the submissions does not count toward it. Last evaluated 2026-03-18.

Conditions:
Intellectual developmental disorder, X-linked, syndromic, Claes-Jensen type. Also called: Syndromic X-linked intellectual disability Claes-Jensen type; INTELLECTUAL DEVELOPMENTAL DISORDER, X-LINKED, SYNDROMIC 16; MENTAL RETARDATION, X-LINKED, SYNDROMIC 16. Identifiers: Orphanet 85279, MedGen C1845243, MONDO:0010355, OMIM 300534.

Submissions (2):

GeneDx
Classification: Uncertain significance. Last evaluated: 2026-03-18. Review status: criteria provided, single submitter. Criteria: GeneDx Variant Classification Process June 2021. Collection method: clinical testing. Allele origin: germline.
Comment: Not observed at significant frequency in large population cohorts (gnomAD); In silico analysis supports that this missense variant has a deleterious effect on protein structure/function; This variant is associated with the following publications: (PMID: 32279304, 36553533)

Centre de Biologie Pathologie Génétique, Centre Hospitalier Universitaire de Lille
Classification: Pathogenic for Intellectual developmental disorder, X-linked, syndromic, Claes-Jensen type. Review status: no assertion criteria provided. Collection method: clinical testing. Allele origin: maternal. Inheritance: X-linked inheritance. Affected: yes. Observed: 1 variant allele, 1 hemizygote. Not counted in ClinVar's aggregate classification.

NM_004187.5(KDM5C):c.156G>T (p.Trp52Cys)

Gene: KDM5C (lysine demethylase 5C; minus strand). Cytogenetic location: Xp11.22.
Variant type: single nucleotide variant.
Coding change: c.156G>T on transcript NM_004187.5 (MANE Select); coding-DNA position 156, G replaced by T.
Protein change: p.Trp52Cys; replaces tryptophan 52 with cysteine.
Molecular consequence: missense variant. On other transcripts: non-coding transcript variant (3), intron variant (1).
Genome position (GRCh38, 1-based): chrX:53,220,911, C>A on the plus strand (G>T on the coding strand, the complement: KDM5C is on the minus strand). VCF-style: chrX-53220911-C-A. GRCh37 (hg19) VCF-style: chrX-53250093-C-A.
Other names: c.156G>T (NM_004187.2); c.156G>T, p.Trp52Cys (NM_001282622.3, NM_001353978.3, NM_001353979.2 and 3 more transcripts); c.151-2945G>T (NM_001146702.2); short protein forms W52C.
Identifiers: ClinVar variation 254174 (VCV000254174.3), dbSNP rs886037836, ClinGen allele CA10586361.